The following is an entry in ClinVar:

NM_001127464.1:c.6584A>T

Gene: ZNF469 (zinc finger protein 469; plus strand).
Variant type: single nucleotide variant.
Identifiers: ClinVar variation 4209166 (VCV004209166.1).

ClinVar aggregate classification (germline): Uncertain significance (1 of 4 stars; one submission).

Conditions:
Cardiovascular phenotype. Identifiers: MedGen CN230736.

Submission:

Ambry Genetics
Classification: Uncertain significance for Cardiovascular phenotype. Last evaluated: 2025-07-13. Review status: criteria provided, single submitter. Criteria: Ambry Variant Classification Scheme 2023. Collection method: clinical testing. Allele origin: germline.
Comment: The p.E2195V variant (also known as c.6584A>T), located in coding exon 2 of the ZNF469 gene, results from an A to T substitution at nucleotide position 6584. The glutamic acid at codon 2195 is replaced by valine, an amino acid with dissimilar properties. This amino acid position is conserved. In addition, this alteration is predicted to be tolerated by in silico analysis. Based on the available evidence, the clinical significance of this variant remains unclear.